The following is an entry in ClinVar:

NM_022124.6(CDH23):c.8110A>G (p.Thr2704Ala)

Gene: CDH23 (cadherin related 23; plus strand). Cytogenetic location: 10q22.1.
Variant type: single nucleotide variant.
Coding change: c.8110A>G on transcript NM_022124.6 (MANE Select); coding-DNA position 8110, A replaced by G.
Protein change: p.Thr2704Ala; replaces threonine 2704 with alanine.
Molecular consequence: missense variant.
Genome position (GRCh38, 1-based): chr10:71,806,213, A>G. VCF-style: chr10-71806213-A-G. GRCh37 (hg19) VCF-style: chr10-73565970-A-G.
Other names: c.1390A>G, p.Thr464Ala (NM_001171933.1, NM_001171934.1); short protein forms T2704A, T464A.
Identifiers: ClinVar variation 1896139 (VCV001896139.5), dbSNP rs2494429176, ClinGen allele CA377162371.
Genomic context (GRCh38, chr10:71,806,213, plus strand): 5'-CTCTTCCGCTCCTAGCTCATCTTGGTGGCCAGCGACCTGGGCCAGCCAGTGCCATACGAG[A>G]CTATGCAGCCGCTGCAGGTGGCCCTGGAGGACATCGATGACAACGAACCCCTTTTCGTGA-3'
Protein context (NP_071407.4, residues 2694-2714): SDLGQPVPYE[Thr2704Ala]MQPLQVALED

ClinVar aggregate classification (germline): Uncertain significance (1 of 4 stars; one submission).

Submission:

Labcorp Genetics (formerly Invitae), Labcorp
Classification: Uncertain significance. Last evaluated: 2022-04-08. Review status: criteria provided, single submitter. Criteria: Invitae Variant Classification Sherloc (09022015). Collection method: clinical testing. Allele origin: germline.
Comment: In summary, the available evidence is currently insufficient to determine the role of this variant in disease. Therefore, it has been classified as a Variant of Uncertain Significance. Algorithms developed to predict the effect of missense changes on protein structure and function are either unavailable or do not agree on the potential impact of this missense change (SIFT: "Deleterious"; PolyPhen-2: "Not Available"; Align-GVGD: "Class C0"). This variant has not been reported in the literature in individuals affected with CDH23-related conditions. This variant is not present in population databases (gnomAD no frequency). This sequence change replaces threonine, which is neutral and polar, with alanine, which is neutral and non-polar, at codon 2704 of the CDH23 protein (p.Thr2704Ala).